The following is an entry in ClinVar:

ClinVar aggregate classification (germline): Uncertain significance. Review status: criteria provided, multiple submitters, no conflicts (2 of 4 stars). 2 submissions from 2 submitters: Uncertain significance (2). Last evaluated 2026-01-25.

Allele frequency attached by ClinVar (database versions not stated): gnomAD 0.00002; TOPMed 0.00006; 1000 Genomes Project 30x 0.00016; 1000 Genomes Project 0.00020.
gnomAD v4.1: 51 of 1,610,932 alleles (0.0032%); highest among the groups gnomAD compares: Admixed American, 0.018%; no homozygotes.

Submissions (2):

Labcorp Genetics (formerly Invitae), Labcorp
Classification: Uncertain significance. Last evaluated: 2026-01-25. Review status: criteria provided, single submitter. Criteria: Invitae Variant Classification Sherloc (09022015). Collection method: clinical testing. Allele origin: germline.
Comment: This sequence change replaces arginine, which is basic and polar, with cysteine, which is neutral and slightly polar, at codon 248 of the CREB3L3 protein (p.Arg248Cys). This variant is present in population databases (rs534584711, gnomAD 0.02%). This variant has not been reported in the literature in individuals affected with CREB3L3-related conditions. ClinVar contains an entry for this variant (Variation ID: 1909622). Invitae Evidence Modeling of protein sequence and biophysical properties (such as structural, functional, and spatial information, amino acid conservation, physicochemical variation, residue mobility, and thermodynamic stability) indicates that this missense variant is expected to disrupt CREB3L3 protein function with a positive predictive value of 80%. In summary, the available evidence is currently insufficient to determine the role of this variant in disease. Therefore, it has been classified as a Variant of Uncertain Significance.

Ambry Genetics
Classification: Uncertain significance. Last evaluated: 2025-01-22. Review status: criteria provided, single submitter. Criteria: Ambry Variant Classification Scheme 2023. Collection method: clinical testing. Allele origin: germline.

NM_032607.3(CREB3L3):c.742C>T (p.Arg248Cys)

Gene: CREB3L3 (cAMP responsive element binding protein 3 like 3; plus strand). Cytogenetic location: 19p13.3.
Variant type: single nucleotide variant.
Coding change: c.742C>T on transcript NM_032607.3 (MANE Select); coding-DNA position 742, C replaced by T.
Protein change: p.Arg248Cys; replaces arginine 248 with cysteine.
Molecular consequence: missense variant. On other transcripts: intron variant (1).
Genome position (GRCh38, 1-based): chr19:4,168,378, C>T. VCF-style: chr19-4168378-C-T. GRCh37 (hg19) VCF-style: chr19-4168375-C-T.
Other names: c.739C>T, p.Arg247Cys (NM_001271995.2); c.736C>T, p.Arg246Cys (NM_001271996.2); c.715-1762C>T (NM_001271997.2); c.742C>T (NM_032607.1); short protein forms R248C, R246C, R247C.
Identifiers: ClinVar variation 1909622 (VCV001909622.6), dbSNP rs534584711, ClinGen allele CA9091454.